The following is an entry in ClinVar:

ClinVar aggregate classification (germline): Uncertain significance (1 of 4 stars; one submission).

Allele frequency attached by ClinVar (database versions not stated): gnomAD exomes below 0.00001.
gnomAD v4.1: 1 of 1,211,128 alleles (0.000083%); highest among the groups gnomAD compares: South Asian, 0.0018%; no homozygotes.

Submission:

Labcorp Genetics (formerly Invitae), Labcorp
Classification: Uncertain significance. Last evaluated: 2019-12-15. Review status: criteria provided, single submitter. Criteria: Invitae Variant Classification Sherloc (09022015). Collection method: clinical testing. Allele origin: germline.
Comment: This sequence change replaces cysteine with tryptophan at codon 945 of the NEXMIF protein (p.Cys945Trp). The cysteine residue is highly conserved and there is a large physicochemical difference between cysteine and tryptophan. In summary, the available evidence is currently insufficient to determine the role of this variant in disease. Therefore, it has been classified as a Variant of Uncertain Significance. Algorithms developed to predict the effect of missense changes on protein structure and function are either unavailable or do not agree on the potential impact of this missense change (SIFT: "Deleterious"; PolyPhen-2: "Possibly Damaging"; Align-GVGD: "Class C15"). This variant has not been reported in the literature in individuals with NEXMIF-related conditions. This variant is not present in population databases (ExAC no frequency).

NM_001008537.3(NEXMIF):c.2835C>G (p.Cys945Trp)

Gene: NEXMIF (neurite extension and migration factor; minus strand). Cytogenetic location: Xq13.3.
Variant type: single nucleotide variant.
Coding change: c.2835C>G on transcript NM_001008537.3 (MANE Select); coding-DNA position 2835, C replaced by G.
Protein change: p.Cys945Trp; replaces cysteine 945 with tryptophan.
Molecular consequence: missense variant.
Genome position (GRCh38, 1-based): chrX:74,741,722, G>C on the plus strand (C>G on the coding strand, the complement: NEXMIF is on the minus strand). VCF-style: chrX-74741722-G-C. GRCh37 (hg19) VCF-style: chrX-73961557-G-C.
Other names: short protein forms C945W.
Identifiers: ClinVar variation 847429 (VCV000847429.10), dbSNP rs2080104883, ClinGen allele CA413667327.